The following is an entry in ClinVar:

NM_001378778.1(MPDZ):c.3879A>G (p.Pro1293=)

Gene: MPDZ (multiple PDZ domain crumbs cell polarity complex component; minus strand). Cytogenetic location: 9p23.
Variant type: single nucleotide variant.
Coding change: c.3879A>G on transcript NM_001378778.1 (MANE Select); coding-DNA position 3879, A replaced by G.
Protein change: p.Pro1293=; no amino-acid change (proline 1293 retained).
Molecular consequence: synonymous variant.
Genome position (GRCh38, 1-based): chr9:13,140,111, T>C on the plus strand (A>G on the coding strand, the complement: MPDZ is on the minus strand). VCF-style: chr9-13140111-T-C. GRCh37 (hg19) VCF-style: chr9-13140110-T-C.
Other names: c.3780A>G, p.Pro1260= (NM_001261406.2, NM_001261407.2, NM_001375416.1 and 3 more transcripts); c.3879A>G, p.Pro1293= (NM_001330637.2, NM_001375413.1, NM_003829.5); c.3669A>G, p.Pro1223= (NM_001375420.1, NM_001375421.1, NM_001375422.1 and 4 more transcripts); c.3471A>G, p.Pro1157= (NM_001375427.1); c.3879A>G (NM_003829.4).
Identifiers: ClinVar variation 1153719 (VCV001153719.11), dbSNP rs779266872, ClinGen allele CA4986925.

ClinVar aggregate classification (germline): Likely benign. Review status: criteria provided, single submitter (1 of 4 stars). 2 submissions from 2 submitters: Likely benign (1). 1 of the submissions does not count toward it. Last evaluated 2025-11-27.

Conditions:
MPDZ-related disorder. Also called: MPDZ-related condition.

Allele frequency attached by ClinVar (database versions not stated): gnomAD 0.00001; gnomAD exomes 0.00002 and 0.00010; TOPMed 0.00004; ExAC 0.00007.
gnomAD v4.1: 31 of 1,613,328 alleles (0.0019%); highest among the groups gnomAD compares: Admixed American, 0.04%; no homozygotes.

Submissions (2):

Labcorp Genetics (formerly Invitae), Labcorp
Classification: Likely benign. Last evaluated: 2025-11-27. Review status: criteria provided, single submitter. Criteria: Invitae Variant Classification Sherloc (09022015). Collection method: clinical testing. Allele origin: germline.

PreventionGenetics, part of Exact Sciences
Classification: Likely benign for MPDZ-related condition. Last evaluated: 2021-07-13. Review status: no assertion criteria provided. Collection method: clinical testing. Allele origin: germline. Not counted in ClinVar's aggregate classification.
Comment: This variant is classified as likely benign based on ACMG/AMP sequence variant interpretation guidelines (Richards et al. 2015 PMID: 25741868, with internal and published modifications).